The following is an entry in ClinVar:

ClinVar aggregate classification (germline): Uncertain significance. Review status: criteria provided, multiple submitters, no conflicts (2 of 4 stars). 2 submissions from 2 submitters: Uncertain significance (2). Last evaluated 2024-01-15.

Conditions:
Benign neonatal seizures. Also called: Convulsions benign familial neonatal dominant form; Autosomal dominant form of benign neonatal seizures; Benign neonatal familial convulsions; Benign familial neonatal epilepsy; Benign familial neonatal seizures. Identifiers: Orphanet 1949, MedGen C0220669, MONDO:0016027.

Allele frequency attached by ClinVar (database versions not stated): gnomAD 0.00001; TOPMed 0.00001.
gnomAD v4.1: 2 of 1,564,080 alleles (0.00013%); highest among the groups gnomAD compares: Non-Finnish European, 0.00017%; no homozygotes.

Submissions (2):

Labcorp Genetics (formerly Invitae), Labcorp
Classification: Uncertain significance for Benign neonatal seizures. Last evaluated: 2024-01-15. Review status: criteria provided, single submitter. Criteria: Invitae Variant Classification Sherloc (09022015). Collection method: clinical testing. Allele origin: germline.
Comment: This sequence change replaces glutamic acid, which is acidic and polar, with lysine, which is basic and polar, at codon 51 of the KCNQ3 protein (p.Glu51Lys). This variant is not present in population databases (gnomAD no frequency). This variant has not been reported in the literature in individuals affected with KCNQ3-related conditions. ClinVar contains an entry for this variant (Variation ID: 2147360). Advanced modeling of protein sequence and biophysical properties (such as structural, functional, and spatial information, amino acid conservation, physicochemical variation, residue mobility, and thermodynamic stability) performed at Invitae indicates that this missense variant is not expected to disrupt KCNQ3 protein function with a negative predictive value of 95%. In summary, the available evidence is currently insufficient to determine the role of this variant in disease. Therefore, it has been classified as a Variant of Uncertain Significance.

Blueprint Genetics
Classification: Uncertain significance. Last evaluated: 2020-01-24. Review status: criteria provided, single submitter. Criteria: ACMG Guidelines, 2015. Collection method: clinical testing. Allele origin: germline.

NM_004519.4(KCNQ3):c.151G>A (p.Glu51Lys)

Gene: KCNQ3 (potassium voltage-gated channel subfamily Q member 3; minus strand). Cytogenetic location: 8q24.22.
Variant type: single nucleotide variant.
Coding change: c.151G>A on transcript NM_004519.4 (MANE Select); coding-DNA position 151, G replaced by A.
Protein change: p.Glu51Lys; replaces glutamic acid 51 with lysine.
Molecular consequence: missense variant.
Genome position (GRCh38, 1-based): chr8:132,480,382, C>T on the plus strand (G>A on the coding strand, the complement: KCNQ3 is on the minus strand). VCF-style: chr8-132480382-C-T. GRCh37 (hg19) VCF-style: chr8-133492629-C-T.
Other names: short protein forms E51K.
Identifiers: ClinVar variation 2147360 (VCV002147360.5), dbSNP rs1398300403, ClinGen allele CA372292796.